The following is an entry in ClinVar:

NM_000096.4(CP):c.2158C>T (p.Arg720Trp)

Gene: CP (ceruloplasmin; minus strand). Cytogenetic location: 3q24.
Variant type: single nucleotide variant.
Coding change: c.2158C>T on transcript NM_000096.4 (MANE Select); coding-DNA position 2158, C replaced by T.
Protein change: p.Arg720Trp; replaces arginine 720 with tryptophan.
Molecular consequence: missense variant. On other transcripts: non-coding transcript variant (1).
Genome position (GRCh38, 1-based): chr3:149,185,366, G>A on the plus strand (C>T on the coding strand, the complement: CP is on the minus strand). VCF-style: chr3-149185366-G-A. GRCh37 (hg19) VCF-style: chr3-148903153-G-A.
Other names: p.Arg720Trp; R701W; short protein forms R720W.
Identifiers: ClinVar variation 42123 (VCV000042123.24), dbSNP rs145784949, ClinGen allele CA344576.

ClinVar aggregate classification (germline): Uncertain significance. Review status: criteria provided, multiple submitters, no conflicts (2 of 4 stars). 12 submissions from 12 submitters: Uncertain significance (7). 5 of the submissions do not count toward it. Last evaluated 2025-06-26.

Conditions:
Deficiency of ferroxidase (ACEP). Also called: NEURODEGENERATION WITH BRAIN IRON ACCUMULATION 10; Deficiency of ceruloplasmin; Ceruloplasmin deficiency; Familial apoceruloplasmin deficiency; Hereditary ceruloplasmin deficiency; Aceruloplasminemia. Identifiers: Orphanet 48818, MedGen C0878682, MONDO:0011426, OMIM 604290, HP:0025498.

Allele frequency attached by ClinVar (database versions not stated): ExAC 0.00022; ESP Exome Variant Server 0.00054; gnomAD exomes 0.00021 and 0.00047; gnomAD 0.00023 and 0.00025; TOPMed 0.00025.
gnomAD v4.1: 704 of 1,613,932 alleles (0.044%); highest among the groups gnomAD compares: Non-Finnish European, 0.058%; no homozygotes.

Submissions (12):

Mayo Clinic Laboratories, Mayo Clinic
Classification: Uncertain significance. Last evaluated: 2025-06-26. Review status: criteria provided, single submitter. Criteria: ACMG Guidelines, 2015. Collection method: clinical testing. Allele origin: germline. Observed: 2 variant alleles.
Comment: PS3

Victorian Clinical Genetics Services, Murdoch Childrens Research Institute
Classification: Uncertain significance for Deficiency of ferroxidase. Last evaluated: 2024-10-10. Review status: criteria provided, single submitter. Criteria: ACMG Guidelines, 2015. Collection method: clinical testing. Allele origin: germline. Inheritance: Autosomal recessive inheritance. Affected: yes.
Comment: Based on the classification scheme VCGS_Germline_v1.3.5, this variant is classified as VUS-3B. Following criteria are met: 0102 - Loss of function is a known mechanism of disease in this gene and is associated with aceruloplasminemia (MIM#604290). Dominant-negative has also been suggested as a mechanism of disease. (I) 0106 - This gene is associated with autosomal recessive disease. (I) 0200 - Variant is predicted to result in a missense amino acid change from arginine to tryptophan. (I) 0251 - This variant is heterozygous. (I) 0304 - Variant is present in gnomAD (v4) <0.01 for a recessive condition (704 heterozygotes, 0 homozygotes). (SP) 0502 - Missense variant with conflicting in silico predictions and uninformative conservation. (I) 0604 - Variant is not located in an established domain, motif, hotspot or informative constraint region. (I) 0705 - No comparable missense variants have previous evidence for pathogenicity. (I) 0808 - Previous reports of pathogenicity for this variant are conflicting. This variant has been classified as a VUS by nine clinical testing laboratories (ClinVar). It has been reported in a compound heterozygous state in an individual with aceruloplasminemia (PMID: 29482220). Additionally, this variant has been reported in a heterozygous state in affected individual in whom it was unclear whether a second variant was not detected (PMID: 15654567), and in an individual with an alternative genetic diagnosis (PMID: 32753443). Individuals heterozygous for this variant can have reduced serum copper and caeruloplasmin levels. (I) 0905 - No published segregation evidence has been identified for this variant. (I) 1002 - This variant has moderate functional evidence supporting abnormal protein function. Functional studies indicated that this variant results in impaired oxidase activity (PMIDs: 19095659, 20430895, 20655381). (I) Legend: (SP) - Supporting pathogenic, (I) - Information, (SB) - Supporting benign

Women's Health and Genetics/Laboratory Corporation of America, LabCorp
Classification: Uncertain significance. Last evaluated: 2024-08-01. Review status: criteria provided, single submitter. Criteria: LabCorp Variant Classification Summary - May 2015. Collection method: clinical testing. Allele origin: germline.
Comment: Variant summary: CP c.2158C>T (p.Arg720Trp) results in a non-conservative amino acid change in the encoded protein sequence. Three of five in-silico tools predict a damaging effect of the variant on protein function. The variant allele was found at a frequency of 0.00021 in 251422 control chromosomes. The observed variant frequency is approximately equal to the estimated maximal expected allele frequency for a pathogenic variant in CP causing Neurodegeneration With Brain Iron Accumulation phenotype (0.00019). c.2158C>T has been reported in the literature in heterozygous individuals (without a known pathogenic variant detected in trans) affected with aceruloplasminemia, but it was also reported in their unaffected heterozygous parents (Kuhn_2005, Hines_2018). These reports do not provide unequivocal conclusions about association of the variant with Neurodegeneration With Brain Iron Accumulation. The variant has been reported to confer a dominant negative effect on wild type CP (di Patti_2009). Experimental evidence from cell culture models demonstrated that it correctly reaches the plasma membrane, but fails to stabilize ferroportin on cell surface due to inherently impaired oxidase activity. It was further shown to induce fragmentation/dispersal of the Golgi apparatus and impair the proper functioning of ATP7B, which becomes unable to discharge copper into the target ferroxidase; these effects being accompanied by the massive production of reactive oxygen species in the cell (di Patti_2009, Kono_2010, Maio_2010, Persichini_2012). The following publications have been ascertained in the context of this evaluation (PMID: 29482220, 20655381, 15654567, 20430895, 22281056, 19095659). ClinVar contains an entry for this variant (Variation ID:42123). Based on the evidence outlined above, the variant was classified as uncertain significance.

Labcorp Genetics (formerly Invitae), Labcorp
Classification: Uncertain significance for Deficiency of ferroxidase. Last evaluated: 2022-10-13. Review status: criteria provided, single submitter. Criteria: Invitae Variant Classification Sherloc (09022015). Collection method: clinical testing. Allele origin: germline.
Comment: This sequence change replaces arginine, which is basic and polar, with tryptophan, which is neutral and slightly polar, at codon 720 of the CP protein (p.Arg720Trp). This variant is present in population databases (rs145784949, gnomAD 0.04%). This missense change has been observed in individual(s) with clinical features of aceruloplasminemia (PMID: 15654567, 29482220). ClinVar contains an entry for this variant (Variation ID: 42123). Advanced modeling of protein sequence and biophysical properties (such as structural, functional, and spatial information, amino acid conservation, physicochemical variation, residue mobility, and thermodynamic stability) performed at Invitae indicates that this missense variant is not expected to disrupt CP protein function. Experimental studies have shown that this missense change affects CP function (PMID: 19095659, 20430895, 20655381, 22281056). In summary, the available evidence is currently insufficient to determine the role of this variant in disease. Therefore, it has been classified as a Variant of Uncertain Significance.

Fulgent Genetics
Classification: Uncertain significance for Deficiency of ferroxidase. Last evaluated: 2021-11-10. Review status: criteria provided, single submitter. Criteria: ACMG Guidelines, 2015. Collection method: clinical testing. Allele origin: unknown.

Illumina Laboratory Services, Illumina
Classification: Uncertain significance for Deficiency of ferroxidase. Last evaluated: 2017-04-27. Review status: criteria provided, single submitter. Criteria: ICSL Variant Classification Criteria 13 December 2019. Collection method: clinical testing. Allele origin: germline.

Center for Pediatric Genomic Medicine, Children's Mercy Hospital and Clinics
Classification: Uncertain significance. Last evaluated: 2016-09-13. Review status: criteria provided, single submitter. Criteria: ACMG Guidelines, 2015. Collection method: clinical testing. Allele origin: germline.
ClinVar note: Converted during submission from Uncertain Significance to Uncertain significance.

GeneReviews
Classification: Pathogenic for Aceruloplasminemia. Last evaluated: 2013-04-18. Review status: no assertion criteria provided. Collection method: curation. Allele origin: unknown. Not counted in ClinVar's aggregate classification.
ClinVar note: Converted during submission from pathologic to Pathogenic.

Clinical Genetics DNA and cytogenetics Diagnostics Lab, Erasmus MC, Erasmus Medical Center
Classification: Uncertain significance. Review status: no assertion criteria provided. Collection method: clinical testing. Allele origin: germline. Affected: yes. Study: VKGL Data-share Consensus. Not counted in ClinVar's aggregate classification.

Diagnostic Laboratory, Department of Genetics, University Medical Center Groningen
Classification: Uncertain significance. Review status: no assertion criteria provided. Collection method: clinical testing. Allele origin: germline. Affected: yes. Study: VKGL Data-share Consensus. Not counted in ClinVar's aggregate classification.

Genome Diagnostics Laboratory, Amsterdam University Medical Center
Classification: Uncertain significance. Review status: no assertion criteria provided. Collection method: clinical testing. Allele origin: germline. Affected: yes. Study: VKGL Data-share Consensus. Not counted in ClinVar's aggregate classification.

Joint Genome Diagnostic Labs from Nijmegen and Maastricht, Radboudumc and MUMC+
Classification: Uncertain significance. Review status: no assertion criteria provided. Collection method: clinical testing. Allele origin: germline. Affected: yes. Study: VKGL Data-share Consensus. Not counted in ClinVar's aggregate classification.

Literature cited by the submitters: PubMed 15654567 (cited by 4 submitters); PubMed 19095659 (cited by 4 submitters); PubMed 20655381 (cited by 4 submitters); PubMed 22281056 (cited by 3 submitters); PubMed 29482220 (cited by 4 submitters); PubMed 32753443 (cited by Mayo Clinic Laboratories, Mayo Clinic and Victorian Clinical Genetics Services, Murdoch Childrens Research Institute); PubMed 20430895 (cited by 3 submitters).